The following is an entry in ClinVar:

NM_003073.5(SMARCB1):c.68G>C (p.Gly23Ala)

Gene: SMARCB1 (SWI/SNF related BAF chromatin remodeling complex subunit B1; plus strand). Cytogenetic location: 22q11.23.
Variant type: single nucleotide variant.
Coding change: c.68G>C on transcript NM_003073.5 (MANE Select); coding-DNA position 68, G replaced by C.
Protein change: p.Gly23Ala; replaces glycine 23 with alanine.
Molecular consequence: missense variant.
Genome position (GRCh38, 1-based): chr22:23,787,237, G>C. VCF-style: chr22-23787237-G-C. GRCh37 (hg19) VCF-style: chr22-24129424-G-C.
Other names: c.68G>C, p.Gly23Ala (NM_001007468.3, NM_001317946.2, NM_001362877.2); short protein forms G23A.
Identifiers: ClinVar variation 3446079 (VCV003446079.1).
Genomic context (GRCh38, chr22:23,787,237, plus strand): 5'-TGATGGCGCTGAGCAAGACCTTCGGGCAGAAGCCCGTGAAGTTCCAGCTGGAGGACGACG[G>C]CGAGTTCTACATGATCGGCTCCGAGGTAGCCCGGGGCGCGTTCTCGCCCTCCCCGGGCTC-3'
Protein context (NP_003064.2, residues 13-33): KPVKFQLEDD[Gly23Ala]EFYMIGSEVG

ClinVar aggregate classification (germline): Uncertain significance (1 of 4 stars; one submission).

Conditions:
Hereditary cancer-predisposing syndrome. Also called: Tumor predisposition; Neoplastic Syndromes, Hereditary; Hereditary neoplastic syndrome; Hereditary Cancer Syndrome. Identifiers: Orphanet 140162, MedGen C0027672, MeSH D009386, MONDO:0015356.

Submission:

Ambry Genetics
Classification: Uncertain significance for Hereditary cancer-predisposing syndrome. Last evaluated: 2024-08-17. Review status: criteria provided, single submitter. Criteria: Ambry Variant Classification Scheme 2023. Collection method: clinical testing. Allele origin: germline.
Comment: The p.G23A variant (also known as c.68G>C), located in coding exon 1 of the SMARCB1 gene, results from a G to C substitution at nucleotide position 68. The glycine at codon 23 is replaced by alanine, an amino acid with similar properties. This amino acid position is conserved. In addition, the in silico prediction for this alteration is inconclusive. Based on the available evidence, the clinical significance of this variant remains unclear.